The following is an entry in ClinVar:

NM_001382391.1(CSPP1):c.1023-7dup

Gene: CSPP1 (centrosome and spindle pole associated protein 1; plus strand). Cytogenetic location: 8q13.2.
Variant type: Duplication.
Coding change: c.1023-7dup on transcript NM_001382391.1 (MANE Select); 7 bases into the intron before coding-DNA position 1023, one base duplicated (T; older notation c.1023-7dupT).
Molecular consequence: intron variant.
Genome position (GRCh38, 1-based): chr8:67,105,898, T duplicated; the last of 7 consecutive T bases (chr8:67,105,892-67,105,898); duplicating any one gives the same sequence. VCF-style (leftmost placement, unchanged base first): chr8-67105891-C-CT. GRCh37 (hg19) VCF-style: chr8-68018126-C-CT.
Other names: c.1050-7dupT (NM_024790.6); c.1023-7dup (NM_001363132.2); c.942-7dup (NM_001363131.2, NM_001363133.2); c.1131-7dup (NM_001364869.1); c.1050-7dup (NM_024790.7, NM_001438331.1, NM_001438330.1); c.951-7dup (NM_001364870.1); c.950+10166dup (NM_001438332.1); c.168-7dup (NM_001291339.2).
Identifiers: ClinVar variation 421073 (VCV000421073.9), dbSNP rs781187284, ClinGen allele CA4770422.

ClinVar aggregate classification (germline): Benign/Likely benign. Review status: criteria provided, multiple submitters, no conflicts (2 of 4 stars). 3 submissions from 3 submitters: Benign (1); Likely benign (2). Last evaluated 2026-01-06.

Conditions:
Joubert syndrome 21 (JBTS21). Identifiers: MedGen C3810212, MONDO:0014288, OMIM 615636.

Submissions (3):

Labcorp Genetics (formerly Invitae), Labcorp
Classification: Benign for Joubert syndrome 21. Last evaluated: 2026-01-06. Review status: criteria provided, single submitter. Criteria: Invitae Variant Classification Sherloc (09022015). Collection method: clinical testing. Allele origin: germline.

Blueprint Genetics
Classification: Likely benign. Last evaluated: 2023-11-13. Review status: criteria provided, single submitter. Criteria: ACMG Guidelines, 2015. Collection method: clinical testing. Allele origin: germline.

GeneDx
Classification: Likely benign. Last evaluated: 2016-05-10. Review status: criteria provided, single submitter. Criteria: GeneDx Variant Classification (06012015). Collection method: clinical testing. Allele origin: germline. Affected: yes.
Comment: This variant is considered likely benign or benign based on one or more of the following criteria: it is a conservative change, it occurs at a poorly conserved position in the protein, it is predicted to be benign by multiple in silico algorithms, and/or has population frequency not consistent with disease.